The following is an entry in ClinVar:

NM_001370259.2(MEN1):c.1112T>C (p.Val371Ala)

Gene: MEN1 (menin 1; minus strand). Cytogenetic location: 11q13.1.
Variant type: single nucleotide variant.
Coding change: c.1112T>C on transcript NM_001370259.2 (MANE Select); coding-DNA position 1112, T replaced by C.
Protein change: p.Val371Ala; replaces valine 371 with alanine.
Molecular consequence: missense variant. On other transcripts: non-coding transcript variant (4).
Genome position (GRCh38, 1-based): chr11:64,805,708, A>G on the plus strand (T>C on the coding strand, the complement: MEN1 is on the minus strand). VCF-style: chr11-64805708-A-G. GRCh37 (hg19) VCF-style: chr11-64573180-A-G.
Other names: c.1127T>C, p.Val376Ala (NM_000244.4, NM_001407145.1, NM_130800.3 and 4 more transcripts); c.1238T>C, p.Val413Ala (NM_001370251.2, NM_001407142.1, NM_001407143.1 and 1 more transcripts); c.1112T>C, p.Val371Ala (NM_001370260.2, NM_001370261.2, NM_001407146.1 and 3 more transcripts); c.1007T>C, p.Val336Ala (NM_001370262.2, NM_001370263.2, NM_001407148.1 and 1 more transcripts); c.1253T>C, p.Val418Ala (NM_001407150.1); c.1133T>C, p.Val378Ala (NM_001407151.1); short protein forms V413A, V418A, V371A, V376A, V336A, V378A.
Identifiers: ClinVar variation 2626603 (VCV002626603.2), dbSNP rs2497158789, ClinGen allele CA381182517.

ClinVar aggregate classification (germline): Uncertain significance (1 of 4 stars; one submission).

Conditions:
Hereditary cancer-predisposing syndrome. Also called: Tumor predisposition; Hereditary Cancer Syndrome; Hereditary neoplastic syndrome; Neoplastic Syndromes, Hereditary. Identifiers: Orphanet 140162, MedGen C0027672, MeSH D009386, MONDO:0015356.

Submission:

Ambry Genetics
Classification: Uncertain significance for Hereditary cancer-predisposing syndrome. Last evaluated: 2023-09-13. Review status: criteria provided, single submitter. Criteria: Ambry Variant Classification Scheme 2023. Collection method: clinical testing. Allele origin: germline.
Comment: The p.V371A variant (also known as c.1112T>C), located in coding exon 7 of the MEN1 gene, results from a T to C substitution at nucleotide position 1112. The valine at codon 371 is replaced by alanine, an amino acid with similar properties. This amino acid position is conserved. In addition, this alteration is predicted to be deleterious by in silico analysis. Since supporting evidence is limited at this time, the clinical significance of this alteration remains unclear.